The following is an entry in ClinVar:

NM_000083.3(CLCN1):c.697-1G>A

Gene: CLCN1 (chloride voltage-gated channel 1; plus strand). Cytogenetic location: 7q34.
Variant type: single nucleotide variant.
Coding change: c.697-1G>A on transcript NM_000083.3 (MANE Select); the canonical splice acceptor site of the intron before coding-DNA position 697, G replaced by A.
Molecular consequence: splice acceptor variant.
Genome position (GRCh38, 1-based): chr7:143,323,308, G>A. VCF-style: chr7-143323308-G-A. GRCh37 (hg19) VCF-style: chr7-143020401-G-A.
Identifiers: ClinVar variation 1322089 (VCV001322089.6), dbSNP rs773025750, ClinGen allele CA369686244.
Genomic context (GRCh38, chr7:143,323,308, plus strand): 5'-TGAGTGCTGCAGAGCCTCCATCTGGCCTCTGACCCCCGCCCCCTCGCTCCCCCTCTCCCA[G>A]GGCCCCTTCGTCCACATTGCCAGCATCTGTGCTGCTGTCCTCAGCAAATTCATGTCTGTG-3'

ClinVar aggregate classification (germline): Pathogenic/Likely pathogenic. Review status: criteria provided, multiple submitters, no conflicts (2 of 4 stars). 2 submissions from 2 submitters: Pathogenic (1); Likely pathogenic (1). Last evaluated 2024-10-21.

Conditions:
Congenital myotonia, autosomal recessive form. Also called: BECKER DISEASE; Becker Generalized Myotonia; myotonia congenita, autosomal recessive. Identifiers: Orphanet 614, MedGen C0751360, MONDO:0009715, OMIM 255700.
Congenital myotonia, autosomal dominant form (THD). Also called: THOMSEN DISEASE; Myotonia congenita autosomal dominant. Identifiers: Orphanet 614, MedGen C2936781, MONDO:0008055, OMIM 160800.

Allele frequency attached by ClinVar (database versions not stated): gnomAD 0.00001.
gnomAD v4.1: 2 of 1,608,562 alleles (0.00012%); highest among the groups gnomAD compares: South Asian, 0.0011%; no homozygotes.

Submissions (2):

Labcorp Genetics (formerly Invitae), Labcorp
Classification: Likely pathogenic for Congenital myotonia, autosomal recessive form; Congenital myotonia, autosomal dominant form. Last evaluated: 2024-10-21. Review status: criteria provided, single submitter. Criteria: Invitae Variant Classification Sherloc (09022015). Collection method: clinical testing. Allele origin: germline.
Comment: This sequence change affects an acceptor splice site in intron 5 of the CLCN1 gene. It is expected to disrupt RNA splicing. Variants that disrupt the donor or acceptor splice site typically lead to a loss of protein function (PMID: 16199547), and loss-of-function variants in CLCN1 are known to be pathogenic (PMID: 17932099, 22094069, 23739125). This variant is not present in population databases (gnomAD no frequency). This variant has not been reported in the literature in individuals affected with CLCN1-related conditions. ClinVar contains an entry for this variant (Variation ID: 1322089). Algorithms developed to predict the effect of sequence changes on RNA splicing suggest that this variant may disrupt the consensus splice site. In summary, the currently available evidence indicates that the variant is pathogenic, but additional data are needed to prove that conclusively. Therefore, this variant has been classified as Likely Pathogenic.

Revvity Omics, Revvity
Classification: Pathogenic. Last evaluated: 2020-09-04. Review status: criteria provided, single submitter. Criteria: ACMG Guidelines, 2015. Collection method: clinical testing. Allele origin: germline.

Literature cited by the submitters: PubMed 16199547 (cited by Labcorp Genetics (formerly Invitae), Labcorp); PubMed 17932099 (cited by Labcorp Genetics (formerly Invitae), Labcorp); PubMed 22094069 (cited by Labcorp Genetics (formerly Invitae), Labcorp); PubMed 23739125 (cited by Labcorp Genetics (formerly Invitae), Labcorp).